The following is an entry in ClinVar:

ClinVar aggregate classification (germline): Uncertain significance (1 of 4 stars; one submission).

Conditions:
Pityriasis rubra pilaris (PRP). Also called: Pityriasis rubra pilaris--familial type. Identifiers: Orphanet 2897, MedGen C0032027, MONDO:0100017, OMIM 173200, MONDO:0008251.
Psoriasis 2. Identifiers: MedGen C1864497, MONDO:0011269, OMIM 602723.

Submission:

Labcorp Genetics (formerly Invitae), Labcorp
Classification: Uncertain significance for Pityriasis rubra pilaris; Psoriasis 2. Last evaluated: 2024-03-16. Review status: criteria provided, single submitter. Criteria: Invitae Variant Classification Sherloc (09022015). Collection method: clinical testing. Allele origin: germline.
Comment: This sequence change replaces alanine, which is neutral and non-polar, with aspartic acid, which is acidic and polar, at codon 866 of the CARD14 protein (p.Ala866Asp). This variant is not present in population databases (gnomAD no frequency). This variant has not been reported in the literature in individuals affected with CARD14-related conditions. Advanced modeling of protein sequence and biophysical properties (such as structural, functional, and spatial information, amino acid conservation, physicochemical variation, residue mobility, and thermodynamic stability) performed at Invitae indicates that this missense variant is not expected to disrupt CARD14 protein function with a negative predictive value of 80%. In summary, the available evidence is currently insufficient to determine the role of this variant in disease. Therefore, it has been classified as a Variant of Uncertain Significance.

NM_001366385.1(CARD14):c.2597C>A (p.Ala866Asp)

Genes: CARD14 (caspase recruitment domain family member 14; plus strand), SGSH (N-sulfoglucosamine sulfohydrolase; minus strand), LOC126862662 (MED14-independent group 3 enhancer GRCh37_chr17:78178385-78179584; plus strand). Cytogenetic location: 17q25.3.
Variant type: single nucleotide variant.
Coding change: c.2597C>A on transcript NM_001366385.1 (MANE Select); coding-DNA position 2597, C replaced by A.
Protein change: p.Ala866Asp; replaces alanine 866 with aspartic acid.
Molecular consequence: missense variant. On other transcripts: non-coding transcript variant (1).
Genome position (GRCh38, 1-based): chr17:80,205,558, C>A. VCF-style: chr17-80205558-C-A. GRCh37 (hg19) VCF-style: chr17-78179357-C-A.
Other names: c.2597C>A, p.Ala866Asp (NM_024110.4); short protein forms A866D.
Identifiers: ClinVar variation 3749976 (VCV003749976.2).